The following is an entry in ClinVar:

ClinVar aggregate classification (germline): Uncertain significance. Review status: criteria provided, multiple submitters, no conflicts (2 of 4 stars). 2 submissions from 2 submitters: Uncertain significance (2). Last evaluated 2023-03-17.

Conditions:
Trichorhinophalangeal dysplasia type I (TRPS1). Also called: TRICHORHINOPHALANGEAL SYNDROME, TYPE I; TRPS I. Identifiers: Orphanet 77258, MedGen C0432233, MONDO:0008596, OMIM 190350.
Trichorhinophalangeal syndrome, type III (TRPS3). Also called: SUGIO-KAJII SYNDROME. Identifiers: Orphanet 77258, MedGen C1860823, OMIM 190351, MONDO:0008597.

Allele frequency attached by ClinVar (database versions not stated): gnomAD exomes below 0.00001.
gnomAD v4.1: 7 of 1,614,084 alleles (0.00043%); highest among the groups gnomAD compares: Non-Finnish European, 0.00059%; no homozygotes.

Submissions (2):

Labcorp Genetics (formerly Invitae), Labcorp
Classification: Uncertain significance for Trichorhinophalangeal syndrome, type III; Trichorhinophalangeal dysplasia type I. Last evaluated: 2023-03-17. Review status: criteria provided, single submitter. Criteria: Invitae Variant Classification Sherloc (09022015). Collection method: clinical testing. Allele origin: germline.
Comment: In summary, the available evidence is currently insufficient to determine the role of this variant in disease. Therefore, it has been classified as a Variant of Uncertain Significance. Advanced modeling of protein sequence and biophysical properties (such as structural, functional, and spatial information, amino acid conservation, physicochemical variation, residue mobility, and thermodynamic stability) performed at Invitae indicates that this missense variant is expected to disrupt TRPS1 protein function. ClinVar contains an entry for this variant (Variation ID: 1371277). This variant has not been reported in the literature in individuals affected with TRPS1-related conditions. This variant is not present in population databases (gnomAD no frequency). This sequence change replaces threonine, which is neutral and polar, with isoleucine, which is neutral and non-polar, at codon 573 of the TRPS1 protein (p.Thr573Ile).

GeneDx
Classification: Uncertain significance. Last evaluated: 2022-12-07. Review status: criteria provided, single submitter. Criteria: GeneDx Variant Classification Process June 2021. Collection method: clinical testing. Allele origin: germline. Affected: yes.
Comment: Not observed at significant frequency in large population cohorts (gnomAD); In silico analysis supports that this missense variant does not alter protein structure/function; Has not been previously published as pathogenic or benign to our knowledge

NM_014112.5(TRPS1):c.1718C>T (p.Thr573Ile)

Gene: TRPS1 (transcriptional repressor GATA binding 1; minus strand). Cytogenetic location: 8q23.3.
Variant type: single nucleotide variant.
Coding change: c.1718C>T on transcript NM_014112.5 (MANE Select); coding-DNA position 1718, C replaced by T.
Protein change: p.Thr573Ile; replaces threonine 573 with isoleucine.
Molecular consequence: missense variant.
Genome position (GRCh38, 1-based): chr8:115,604,251, G>A on the plus strand (C>T on the coding strand, the complement: TRPS1 is on the minus strand). VCF-style: chr8-115604251-G-A. GRCh37 (hg19) VCF-style: chr8-116616478-G-A.
Other names: c.1718C>T (NM_014112.2); c.1691C>T, p.Thr564Ile (NM_001282902.3); c.1697C>T, p.Thr566Ile (NM_001282903.3); c.1679C>T, p.Thr560Ile (NM_001330599.2); short protein forms T560I, T566I, T573I, T564I.
Identifiers: ClinVar variation 1371277 (VCV001371277.6), dbSNP rs2130491431, ClinGen allele CA372066773.